The following is an entry in ClinVar:

NM_004655.4(AXIN2):c.1972A>G (p.Ser658Gly)

Gene: AXIN2 (axin 2; minus strand). Cytogenetic location: 17q24.1.
Variant type: single nucleotide variant.
Coding change: c.1972A>G on transcript NM_004655.4 (MANE Select); coding-DNA position 1972, A replaced by G.
Protein change: p.Ser658Gly; replaces serine 658 with glycine.
Molecular consequence: missense variant.
Genome position (GRCh38, 1-based): chr17:65,536,489, T>C on the plus strand (A>G on the coding strand, the complement: AXIN2 is on the minus strand). VCF-style: chr17-65536489-T-C. GRCh37 (hg19) VCF-style: chr17-63532607-T-C.
Other names: c.1777A>G, p.Ser593Gly (NM_001363813.1); short protein forms S593G, S658G.
Identifiers: ClinVar variation 2134941 (VCV002134941.5), dbSNP rs1567754376, ClinGen allele CA400676232.

ClinVar aggregate classification (germline): Conflicting classifications of pathogenicity. Review status: criteria provided, conflicting classifications (1 of 4 stars). 2 submissions from 2 submitters: Uncertain significance (1); Likely benign (1). Last evaluated 2026-07-06.

Conditions:
Hereditary cancer-predisposing syndrome. Also called: Tumor predisposition; Hereditary Cancer Syndrome; Hereditary neoplastic syndrome; Neoplastic Syndromes, Hereditary. Identifiers: Orphanet 140162, MedGen C0027672, MeSH D009386, MONDO:0015356.
Oligodontia-cancer predisposition syndrome. Also called: TOOTH AGENESIS-COLORECTAL CANCER SYNDROME. Identifiers: Orphanet 300576, MedGen C1837750, MONDO:0012075, OMIM 608615. Disease mechanism: loss of function.

Submissions (2):

Ambry Genetics
Classification: Likely benign for Hereditary cancer-predisposing syndrome. Last evaluated: 2026-07-06. Review status: criteria provided, single submitter. Criteria: Ambry Variant Classification Scheme 2023. Collection method: clinical testing. Allele origin: germline.

Labcorp Genetics (formerly Invitae), Labcorp
Classification: Uncertain significance for Oligodontia-cancer predisposition syndrome. Last evaluated: 2022-05-07. Review status: criteria provided, single submitter. Criteria: Invitae Variant Classification Sherloc (09022015). Collection method: clinical testing. Allele origin: germline.
Comment: This sequence change replaces serine, which is neutral and polar, with glycine, which is neutral and non-polar, at codon 658 of the AXIN2 protein (p.Ser658Gly). This variant is not present in population databases (gnomAD no frequency). In summary, the available evidence is currently insufficient to determine the role of this variant in disease. Therefore, it has been classified as a Variant of Uncertain Significance. Algorithms developed to predict the effect of missense changes on protein structure and function output the following: SIFT: "Tolerated"; PolyPhen-2: "Benign"; Align-GVGD: "Class C0". The glycine amino acid residue is found in multiple mammalian species, which suggests that this missense change does not adversely affect protein function. This variant has not been reported in the literature in individuals affected with AXIN2-related conditions.